The following is an entry in ClinVar:

ClinVar aggregate classification (germline): Pathogenic/Likely pathogenic. Review status: criteria provided, multiple submitters, no conflicts (2 of 4 stars). 3 submissions from 3 submitters: Pathogenic (2); Likely pathogenic (1). Last evaluated 2024-06-15.

Conditions:
Autosomal recessive limb-girdle muscular dystrophy. Identifiers: Orphanet 102015, MedGen C2931907, MONDO:0015152.
Miyoshi muscular dystrophy 1 (MMD1). Identifiers: Orphanet 45448, MedGen C4551973, MONDO:0024545, OMIM 254130.
Neuromuscular disease caused by qualitative or quantitative defects of dysferlin. Also called: Dysferlinopathy; Qualitative or quantitative defects of dysferlin. Identifiers: Orphanet 207073, MedGen C2931687, MONDO:0016145.

Submissions (3):

Myriad Genetics, Inc.
Classification: Pathogenic for Autosomal recessive limb-girdle muscular dystrophy. Last evaluated: 2024-06-15. Review status: criteria provided, single submitter. Criteria: Myriad Autosomal Dominant, Autosomal Recessive and X-Linked Classification Criteria (2023). Collection method: clinical testing. Allele origin: unknown.
Comment: NM_003494.3(DYSF):c.2932G>T(E978*) is expected to be pathogenic in the context of dysferlinopathy. This variant is predicted to lead to an abnormal or absent protein product due to the creation of a premature termination codon in DYSF, a gene where loss-of-function variants are known to be pathogenic. Please note: this variant was assessed in the context of healthy population screening.

Baylor Genetics
Classification: Likely pathogenic for Miyoshi muscular dystrophy 1. Last evaluated: 2023-10-31. Review status: criteria provided, single submitter. Criteria: ACMG Guidelines, 2015. Collection method: clinical testing. Allele origin: unknown.

Labcorp Genetics (formerly Invitae), Labcorp
Classification: Pathogenic for Neuromuscular disease caused by qualitative or quantitative defects of dysferlin. Last evaluated: 2019-05-22. Review status: criteria provided, single submitter. Criteria: Invitae Variant Classification Sherloc (09022015). Collection method: clinical testing. Allele origin: germline.
Comment: For these reasons, this variant has been classified as Pathogenic. Loss-of-function variants in DYSF are known to be pathogenic (PMID: 17698709, 20301480). Algorithms developed to predict the effect of sequence changes on RNA splicing suggest that this variant may create or strengthen a splice site, but this prediction has not been confirmed by published transcriptional studies. This variant has not been reported in the literature in individuals with DYSF-related conditions. This variant is not present in population databases (ExAC no frequency). This sequence change creates a premature translational stop signal (p.Glu978*) in the DYSF gene. It is expected to result in an absent or disrupted protein product.

Literature cited by the submitters: PubMed 17698709 (cited by Labcorp Genetics (formerly Invitae), Labcorp); PubMed 20301480 (cited by Labcorp Genetics (formerly Invitae), Labcorp).

NM_001130987.2(DYSF):c.2986G>T (p.Glu996Ter)

Gene: DYSF (dysferlin; plus strand). Cytogenetic location: 2p13.2.
Variant type: single nucleotide variant.
Coding change: c.2986G>T on transcript NM_001130987.2 (MANE Select); coding-DNA position 2986, G replaced by T.
Protein change: p.Glu996Ter; replaces glutamic acid 996 with a stop codon.
Molecular consequence: nonsense.
Genome position (GRCh38, 1-based): chr2:71,570,235, G>T. VCF-style: chr2-71570235-G-T. GRCh37 (hg19) VCF-style: chr2-71797365-G-T.
Other names: c.2935G>T, p.Glu979Ter (NM_001130455.2, NM_001130983.2); c.2890G>T, p.Glu964Ter (NM_001130976.2, NM_001130977.2); c.2932G>T, p.Glu978Ter (NM_001130978.2, NM_003494.4); c.3025G>T, p.Glu1009Ter (NM_001130979.2); c.2983G>T, p.Glu995Ter (NM_001130980.2, NM_001130981.2); c.3028G>T, p.Glu1010Ter (NM_001130982.2); c.2893G>T, p.Glu965Ter (NM_001130984.2, NM_001130986.2); c.2986G>T, p.Glu996Ter (NM_001130985.2); short protein forms E965*, E1009*, E996*, E1010*, E964*, E978*, E995*, E979*.
Identifiers: ClinVar variation 850419 (VCV000850419.9), dbSNP rs2092340623, ClinGen allele CA347216336.